The following is an entry in ClinVar:

NM_001041.4(SI):c.4630C>T (p.Arg1544Cys)

Gene: SI (sucrase-isomaltase; minus strand). Cytogenetic location: 3q26.1.
Variant type: single nucleotide variant.
Coding change: c.4630C>T on transcript NM_001041.4 (MANE Select); coding-DNA position 4630, C replaced by T.
Protein change: p.Arg1544Cys; replaces arginine 1544 with cysteine.
Molecular consequence: missense variant.
Genome position (GRCh38, 1-based): chr3:164,996,597, G>A on the plus strand (C>T on the coding strand, the complement: SI is on the minus strand). VCF-style: chr3-164996597-G-A. GRCh37 (hg19) VCF-style: chr3-164714385-G-A.
Other names: short protein forms R1544C.
Identifiers: ClinVar variation 1358546 (VCV001358546.5), dbSNP rs767701775, ClinGen allele CA2689845.

ClinVar aggregate classification (germline): Uncertain significance. Review status: criteria provided, multiple submitters, no conflicts (2 of 4 stars). 2 submissions from 2 submitters: Uncertain significance (2). Last evaluated 2024-06-21.

Conditions:
Sucrase-isomaltase deficiency (CSID). Also called: SI DEFICIENCY; Deficiency of isomaltase; Congenital sucrose isomaltose malabsorption; Sucrose isomaltose enzyme deficiency. Identifiers: Orphanet 35122, MedGen C1283620, MONDO:0009114, OMIM 222900.

Allele frequency attached by ClinVar (database versions not stated): gnomAD 0.00004 and 0.00005; TOPMed 0.00004.
gnomAD v4.1: 90 of 1,609,862 alleles (0.0056%); highest among the groups gnomAD compares: Non-Finnish European, 0.0015%; 2 homozygotes.

Submissions (2):

Fulgent Genetics
Classification: Uncertain significance for Sucrase-isomaltase deficiency. Last evaluated: 2024-06-21. Review status: criteria provided, single submitter. Criteria: ACMG Guidelines, 2015. Collection method: clinical testing. Allele origin: germline.

Labcorp Genetics (formerly Invitae), Labcorp
Classification: Uncertain significance. Last evaluated: 2022-07-27. Review status: criteria provided, single submitter. Criteria: Invitae Variant Classification Sherloc (09022015). Collection method: clinical testing. Allele origin: germline.
Comment: This sequence change replaces arginine, which is basic and polar, with cysteine, which is neutral and slightly polar, at codon 1544 of the SI protein (p.Arg1544Cys). This variant is present in population databases (rs767701775, gnomAD 0.2%). This missense change has been observed in individual(s) with congenital sucrase-isomaltase deficiency (PMID: 28062276). ClinVar contains an entry for this variant (Variation ID: 1358546). Advanced modeling of protein sequence and biophysical properties (such as structural, functional, and spatial information, amino acid conservation, physicochemical variation, residue mobility, and thermodynamic stability) performed at Invitae indicates that this missense variant is expected to disrupt SI protein function. Experimental studies have shown that this missense change affects SI function (PMID: 28062276). In summary, the available evidence is currently insufficient to determine the role of this variant in disease. Therefore, it has been classified as a Variant of Uncertain Significance.

Literature cited by the submitters: PubMed 28062276 (cited by Labcorp Genetics (formerly Invitae), Labcorp).